The following is an entry in ClinVar:

ClinVar aggregate classification (germline): Uncertain significance (1 of 4 stars; one submission).

Allele frequency attached by ClinVar (database versions not stated): gnomAD exomes below 0.00001.
gnomAD v4.1: 2 of 1,598,430 alleles (0.00013%); highest among the groups gnomAD compares: Non-Finnish European, 0.00017%; no homozygotes.

Submission:

Labcorp Genetics (formerly Invitae), Labcorp
Classification: Uncertain significance. Last evaluated: 2023-11-25. Review status: criteria provided, single submitter. Criteria: Invitae Variant Classification Sherloc (09022015). Collection method: clinical testing. Allele origin: germline.
Comment: This sequence change replaces proline, which is neutral and non-polar, with arginine, which is basic and polar, at codon 270 of the FZD5 protein (p.Pro270Arg). This variant is not present in population databases (gnomAD no frequency). This variant has not been reported in the literature in individuals affected with FZD5-related conditions. This missense change has been observed in at least one individual who was not affected with FZD5-related conditions (Invitae). Advanced modeling of protein sequence and biophysical properties (such as structural, functional, and spatial information, amino acid conservation, physicochemical variation, residue mobility, and thermodynamic stability) performed at Invitae indicates that this missense variant is expected to disrupt FZD5 protein function with a positive predictive value of 80%. In summary, the available evidence is currently insufficient to determine the role of this variant in disease. Therefore, it has been classified as a Variant of Uncertain Significance.

NM_003468.4(FZD5):c.809C>G (p.Pro270Arg)

Gene: FZD5 (frizzled class receptor 5; minus strand). Cytogenetic location: 2q33.3.
Variant type: single nucleotide variant.
Coding change: c.809C>G on transcript NM_003468.4 (MANE Select); coding-DNA position 809, C replaced by G.
Protein change: p.Pro270Arg; replaces proline 270 with arginine.
Molecular consequence: missense variant.
Genome position (GRCh38, 1-based): chr2:207,767,931, G>C on the plus strand (C>G on the coding strand, the complement: FZD5 is on the minus strand). VCF-style: chr2-207767931-G-C. GRCh37 (hg19) VCF-style: chr2-208632655-G-C.
Other names: short protein forms P270R.
Identifiers: ClinVar variation 2722594 (VCV002722594.3), dbSNP rs2470339072, ClinGen allele CA350086618.
Genomic context (GRCh38, chr2:207,767,931, plus strand): 5'-ACCAGACGCACCAGGAAGCCCAGCGACACGCACAGGTAGCAGGCTGACAGGAAGATGATG[G>C]GGCGCTCAGGATAGCGGAAGCGTTCCATGTCGATGAGGAAGGTGGCCACTGTGGTGGACG-3'
Protein context (NP_003459.2, residues 260-280): DMERFRYPER[Pro270Arg]IIFLSACYLC